The following is an entry in ClinVar:

NM_033026.6(PCLO):c.2549A>G (p.Gln850Arg)

Gene: PCLO (piccolo presynaptic cytomatrix protein; minus strand). Cytogenetic location: 7q21.11.
Variant type: single nucleotide variant.
Coding change: c.2549A>G on transcript NM_033026.6 (MANE Select); coding-DNA position 2549, A replaced by G.
Protein change: p.Gln850Arg; replaces glutamine 850 with arginine.
Molecular consequence: missense variant.
Genome position (GRCh38, 1-based): chr7:83,135,001, T>C on the plus strand (A>G on the coding strand, the complement: PCLO is on the minus strand). VCF-style: chr7-83135001-T-C. GRCh37 (hg19) VCF-style: chr7-82764317-T-C.
Other names: c.2549A>G, p.Gln850Arg (NM_014510.3); short protein forms Q850R.
Identifiers: ClinVar variation 1942667 (VCV001942667.3), dbSNP rs752667612, ClinGen allele CA4321245.
Genomic context (GRCh38, chr7:83,135,001, plus strand): 5'-GGCTTGGCATCTGGTTTAGGACTCATTTTGGTTTGTGCTTTCTTGGGTTCTTCCTTCTTT[T>C]GTACGGGGTCAACTTGTTTTTGACCTTTGCTCTCTGAACTGGGACCAGGATGTGAAATAA-3'
Protein context (NP_149015.2, residues 840-860): SKGQKQVDPV[Gln850Arg]KKEEPKKAQT

ClinVar aggregate classification (germline): Uncertain significance (1 of 4 stars; one submission).

Allele frequency attached by ClinVar (database versions not stated): ExAC 0.00001; gnomAD exomes 0.00001.
gnomAD v4.1: 11 of 1,613,600 alleles (0.00068%); highest among the groups gnomAD compares: East Asian, 0.02%; no homozygotes.

Submission:

Labcorp Genetics (formerly Invitae), Labcorp
Classification: Uncertain significance. Last evaluated: 2022-05-18. Review status: criteria provided, single submitter. Criteria: Invitae Variant Classification Sherloc (09022015). Collection method: clinical testing. Allele origin: germline.
Comment: This sequence change replaces glutamine, which is neutral and polar, with arginine, which is basic and polar, at codon 850 of the PCLO protein (p.Gln850Arg). This variant is present in population databases (rs752667612, gnomAD 0.01%). This variant has not been reported in the literature in individuals affected with PCLO-related conditions. Algorithms developed to predict the effect of missense changes on protein structure and function are either unavailable or do not agree on the potential impact of this missense change (SIFT: "Tolerated"; PolyPhen-2: "Not Available"; Align-GVGD: "Class C0"). In summary, the available evidence is currently insufficient to determine the role of this variant in disease. Therefore, it has been classified as a Variant of Uncertain Significance.